The following is an entry in ClinVar:

NM_001658.4(ARF1):c.143C>T (p.Thr48Ile)

Genes: ARF1 (ARF GTPase 1; plus strand), LOC126806039 (CDK7 strongly-dependent group 2 enhancer GRCh37_chr1:228284937-228286136; plus strand). Cytogenetic location: 1q42.13.
Variant type: single nucleotide variant.
Coding change: c.143C>T on transcript NM_001658.4 (MANE Select); coding-DNA position 143, C replaced by T.
Protein change: p.Thr48Ile; replaces threonine 48 with isoleucine.
Molecular consequence: missense variant.
Genome position (GRCh38, 1-based): chr1:228,097,257, C>T. VCF-style: chr1-228097257-C-T. GRCh37 (hg19) VCF-style: chr1-228284958-C-T.
Other names: c.143C>T, p.Thr48Ile (NM_001024226.2, NM_001024227.1, NM_001024228.2); short protein forms T48I.
Identifiers: ClinVar variation 690284 (VCV000690284.2), dbSNP rs1571844539, ClinGen allele CA345077938.
Genomic context (GRCh38, chr1:228,097,257, plus strand): 5'-CAGGGAAGACCACGATCCTCTACAAGCTTAAGCTGGGTGAGATCGTGACCACCATTCCCA[C>T]CATAGGTGAGGTGGGGGCCAGCAGGGAGTGGGCTGGGCTGGGCTGGGCCAAGGTACAAGG-3'
Protein context (NP_001649.1, residues 38-58): KLGEIVTTIP[Thr48Ile]IGFNVETVEY

ClinVar aggregate classification (germline): Likely pathogenic. Review status: criteria provided, multiple submitters, no conflicts (2 of 4 stars). 2 submissions from 2 submitters: Likely pathogenic (2). Last evaluated 2026-01-16.

Conditions:
Periventricular nodular heterotopia 8. Identifiers: MedGen C4748602, MONDO:0032588, OMIM 618185.

Submissions (2):

3billion
Classification: Likely pathogenic for Periventricular nodular heterotopia 8. Last evaluated: 2026-01-16. Review status: criteria provided, single submitter. Criteria: ACMG Guidelines, 2015. Collection method: clinical testing. Allele origin: germline. Affected: yes.
Comment: The variant is not observed in the gnomAD v4.1.0 dataset. Predicted Consequence/Location: Missense variant. Missense changes are a common disease-causing mechanism. In silico tool predictions suggest damaging effect of the variant on gene or gene product [REVEL: 0.97 (>=0.6, sensitivity 0.68 and specificity 0.92); 3Cnet: 1.00 (> 0.75, sensitivity 0.96 and precision 0.92)]. The same nucleotide change resulting in the same amino acid change has been previously reported to be associated with ARF1-related disorder (ClinVar ID: VCV000690284 /PMID: 37185208). The variant has been previously reported as de novo in a similarly affected individual (PMID: 37185208). Therefore, this variant is classified as Likely pathogenic according to the recommendation of ACMG/AMP guideline.

HudsonAlpha Institute for Biotechnology
Classification: Likely pathogenic for Periventricular nodular heterotopia 8. Last evaluated: 2019-03-22. Review status: criteria provided, single submitter. Criteria: ACMG Guidelines, 2015. Collection method: research. Allele origin: de novo. Affected: yes. Observed: 1 variant allele. Study: CSER.

Literature cited by the submitters: PubMed 37185208 (cited by 3billion).